The following is an entry in ClinVar:

NM_001378120.1(MBD5):c.476C>T (p.Ser159Phe)

Gene: MBD5 (methyl-CpG binding domain protein 5; plus strand). Cytogenetic location: 2q23.1.
Variant type: single nucleotide variant.
Coding change: c.476C>T on transcript NM_001378120.1 (MANE Select); coding-DNA position 476, C replaced by T.
Protein change: p.Ser159Phe; replaces serine 159 with phenylalanine.
Molecular consequence: missense variant.
Genome position (GRCh38, 1-based): chr2:148,468,419, C>T. VCF-style: chr2-148468419-C-T. GRCh37 (hg19) VCF-style: chr2-149225988-C-T.
Other names: c.476C>T, p.Ser159Phe (NM_018328.5); short protein forms S159F.
Identifiers: ClinVar variation 499408 (VCV000499408.8), dbSNP rs780774076, ClinGen allele CA1899890.

ClinVar aggregate classification (germline): Uncertain significance. Review status: criteria provided, multiple submitters, no conflicts (2 of 4 stars). 2 submissions from 2 submitters: Uncertain significance (2). Last evaluated 2023-11-11.

Conditions:
Intellectual developmental disorder, autosomal dominant 1. Also called: MBD5 Haploinsufficiency; Intellectual disability, autosomal dominant 1. Identifiers: Orphanet 228402, MedGen C1969562, MONDO:0007974, OMIM 156200.

Allele frequency attached by ClinVar (database versions not stated): TOPMed 0.00001; gnomAD exomes below 0.00001 and 0.00001; gnomAD 0.00002; ExAC 0.00002.
gnomAD v4.1: 9 of 1,613,406 alleles (0.00056%); highest among the groups gnomAD compares: African/African-American, 0.011%; no homozygotes.

Submissions (2):

Labcorp Genetics (formerly Invitae), Labcorp
Classification: Uncertain significance for Intellectual developmental disorder, autosomal dominant 1. Last evaluated: 2023-11-11. Review status: criteria provided, single submitter. Criteria: Invitae Variant Classification Sherloc (09022015). Collection method: clinical testing. Allele origin: germline.
Comment: This sequence change replaces serine, which is neutral and polar, with phenylalanine, which is neutral and non-polar, at codon 159 of the MBD5 protein (p.Ser159Phe). The frequency data for this variant in the population databases is considered unreliable, as metrics indicate poor data quality at this position in the gnomAD database. This variant has not been reported in the literature in individuals affected with MBD5-related conditions. ClinVar contains an entry for this variant (Variation ID: 499408). Advanced modeling of protein sequence and biophysical properties (such as structural, functional, and spatial information, amino acid conservation, physicochemical variation, residue mobility, and thermodynamic stability) performed at Invitae indicates that this missense variant is not expected to disrupt MBD5 protein function with a negative predictive value of 80%. In summary, the available evidence is currently insufficient to determine the role of this variant in disease. Therefore, it has been classified as a Variant of Uncertain Significance.

Eurofins Ntd Llc (ga)
Classification: Uncertain significance. Last evaluated: 2017-01-23. Review status: criteria provided, single submitter. Criteria: EGL Classification Definitions 2015. Collection method: clinical testing. Allele origin: germline. Observed: 1 variant allele, 1 heterozygote.